The following is an entry in ClinVar:

ClinVar aggregate classification (germline): Likely benign. Review status: criteria provided, multiple submitters, no conflicts (2 of 4 stars). 3 submissions from 3 submitters: Likely benign (3). Last evaluated 2025-09-05.

Conditions:
Bartter disease type 4B. Also called: Bartter syndrome, type 4b, digenic; BARTTER SYNDROME, TYPE 4B; BARTTER SYNDROME, TYPE 4B, NEONATAL, WITH SENSORINEURAL DEAFNESS. Identifiers: Orphanet 112, MedGen C4310805, MONDO:0000909, OMIM 613090.
Bartter disease type 3. Also called: Bartter syndrome type 3. Identifiers: Orphanet 112, Orphanet 93605, MedGen C1846343, MONDO:0011822, OMIM 607364.

Allele frequency attached by ClinVar (database versions not stated): ExAC 0.00001; gnomAD exomes 0.00002; gnomAD 0.00004 and 0.00005.

Submissions (3):

Mayo Clinic Laboratories, Mayo Clinic
Classification: Likely benign. Last evaluated: 2025-09-05. Review status: criteria provided, single submitter. Criteria: ACMG Guidelines, 2015. Collection method: clinical testing. Allele origin: germline. Observed: 2 variant alleles.
Comment: BP4, BP7

Fulgent Genetics
Classification: Likely benign for Bartter disease type 3; Bartter disease type 4B. Last evaluated: 2022-03-07. Review status: criteria provided, single submitter. Criteria: ACMG Guidelines, 2015. Collection method: clinical testing. Allele origin: unknown.

Labcorp Genetics (formerly Invitae), Labcorp
Classification: Likely benign. Last evaluated: 2021-05-29. Review status: criteria provided, single submitter. Criteria: Invitae Variant Classification Sherloc (09022015). Collection method: clinical testing. Allele origin: germline.

NM_000085.5(CLCNKB):c.1149C>T (p.Asp383=)

Genes: CLCNKB (chloride voltage-gated channel Kb; plus strand), LOC106501713 (CLCNKB recombination region; plus strand). Cytogenetic location: 1p36.13.
Variant type: single nucleotide variant.
Coding change: c.1149C>T on transcript NM_000085.5 (MANE Select); coding-DNA position 1149, C replaced by T.
Protein change: p.Asp383=; no amino-acid change (aspartic acid 383 retained).
Molecular consequence: synonymous variant.
Genome position (GRCh38, 1-based): chr1:16,050,970, C>T. VCF-style: chr1-16050970-C-T. GRCh37 (hg19) VCF-style: chr1-16377465-C-T.
Other names: p.Asp383=; c.642C>T, p.Asp214= (NM_001165945.2).
Identifiers: ClinVar variation 1574034 (VCV001574034.10), dbSNP rs757343183, ClinGen allele CA623722.